The following is an entry in ClinVar:

GRCh37/hg19 15q15.1(chr15:41171132-41262130)x1

Genes: CHAC1 (ChaC glutathione specific gamma-glutamylcyclotransferase 1; plus strand), DLL4 (delta like canonical Notch ligand 4; plus strand), VPS18 (VPS18 core subunit of CORVET and HOPS complexes; plus strand). Cytogenetic location: 15q15.1.
Variant type: copy number loss.
Change: copy number 1 (one copy instead of two) of chr15:41,171,132-41,262,130 (91.0 kb, GRCh37 coordinates, 1-based), cytogenetic band 15q15.1.
Identifiers: ClinVar variation 2685509 (VCV002685509.1).

ClinVar aggregate classification (germline): Likely pathogenic (1 of 4 stars; one submission).

Submission:

Quest Diagnostics Nichols Institute San Juan Capistrano
Classification: Likely pathogenic. Last evaluated: 2022-12-30. Review status: criteria provided, single submitter. Criteria: ACMG/ClinGen CNV Guidelines, 2019. Collection method: clinical testing. Allele origin: unknown.
Comment: The copy number loss of 15q15.1 involves multiple protein-coding genes, including DLL4 (OMIM 605185). Heterozygous nonsense, frameshift, and missense variants of DLL4 are associated with autosomal dominant Adams-Oliver syndrome-6 (OMIM 616589, Lehman 2016). Congenital heart defects have also been identified (Bertoli-Avella 2021, Meester 2015, Meester 2018, Farwell Hagman 2017, Bowling 2022). There are no similar copy number losses of this region in the general populations of the Database of Genomic Variants. Thus, based on current literature, this copy number variant (CNV) is classified as likely pathogenic. References: Bertoli-Avella et al., Eur J Hum Genet. 2021 Jan;29(1):141-153. PMID: 32860008 Bowling et al., Genet Med. 2022 Apr;24(4):851-861. PMID: 34930662 Farwell Hagman et al., Genet Med. 2017 Feb;19(2):224-235. PMID: 27513193 Lehman et al., GeneReviews [Internet]. Seattle (WA): University of Washington, Seattle; 1993. 2016 Apr 14. PMID: 27077170 Meester et al., Am J Hum Genet. 2015 Sep 3;97(3):475-82. PMID: 26299364 Meester et al., Hum Mutat. 2018 Sep;39(9):1246-1261. PMID: 29924900